The following is an entry in ClinVar:

NM_000179.3(MSH6):c.3381_3382insATTTCCTTGT (p.Tyr1128fs)

Gene: MSH6 (mutS homolog 6; plus strand). Cytogenetic location: 2p16.3.
Variant type: Insertion.
Coding change: c.3381_3382insATTTCCTTGT on transcript NM_000179.3 (MANE Select); coding-DNA positions 3381 to 3382, ATTTCCTTGT inserted.
Protein change: p.Tyr1128fs; shifts the reading frame from tyrosine 1128.
Molecular consequence: frameshift variant.
Genome position: GRCh38 VCF-style: chr2-47803628-C-CATTTCCTTGT. GRCh37 (hg19) VCF-style: chr2-48030767-C-CATTTCCTTGT.
Other names: c.2991_2992insATTTCCTTGT, p.Tyr998fs (NM_001281492.2); c.2475_2476insATTTCCTTGT, p.Tyr826fs (NM_001281493.2, NM_001281494.2); c.3477_3478insATTTCCTTGT, p.Tyr1160Ilefs (NM_001406795.1, NM_001406802.1); c.3381_3382insATTTCCTTGT, p.Tyr1128Ilefs (NM_001406796.1, NM_001406800.1, NM_001406808.1 and 1 more transcripts); c.3084_3085insATTTCCTTGT, p.Tyr1029Ilefs (NM_001406797.1, NM_001406801.1, NM_001406805.1 and 10 more transcripts); c.3207_3208insATTTCCTTGT, p.Tyr1070Ilefs (NM_001406798.1); c.2856_2857insATTTCCTTGT, p.Tyr953Ilefs (NM_001406799.1, NM_001406806.1, NM_001406807.1); c.2517_2518insATTTCCTTGT, p.Tyr840Ilefs (NM_001406803.1); and 8 more; short protein forms Y1128fs, Y826fs, Y998fs.
Identifiers: ClinVar variation 2089188 (VCV002089188.4), dbSNP rs2530772699, ClinGen allele CA2580067087.
Genomic context (GRCh38, chr2:47,803,628, plus strand): 5'-TTTTATTCCTAATGACATTCTAATAGGCTGTGAGGAAGAGGAGCAGGAAAATGGCAAAGC[C>CATTTCCTTGT]TATTGTGTGCTTGTTACTGGACCAAATATGGGGGGCAAGTCTACGCTTATGAGACAGGTA-3'

ClinVar aggregate classification (germline): Pathogenic (1 of 4 stars; one submission).

Conditions:
Hereditary nonpolyposis colorectal neoplasms. Identifiers: MedGen C0009405, MeSH D003123.

Submission:

Labcorp Genetics (formerly Invitae), Labcorp
Classification: Pathogenic for Hereditary nonpolyposis colorectal neoplasms. Last evaluated: 2022-01-23. Review status: criteria provided, single submitter. Criteria: Invitae Variant Classification Sherloc (09022015). Collection method: clinical testing. Allele origin: germline.
Comment: This sequence change creates a premature translational stop signal (p.Tyr1128Ilefs*39) in the MSH6 gene. It is expected to result in an absent or disrupted protein product. Loss-of-function variants in MSH6 are known to be pathogenic (PMID: 18269114, 24362816). This variant is not present in population databases (gnomAD no frequency). This variant has not been reported in the literature in individuals affected with MSH6-related conditions. For these reasons, this variant has been classified as Pathogenic.

Literature cited by the submitters: PubMed 18269114; PubMed 24362816.